The following is an entry in ClinVar:

NM_006904.7(PRKDC):c.5447G>A (p.Arg1816His)

Gene: PRKDC (protein kinase, DNA-activated, catalytic subunit; minus strand). Cytogenetic location: 8q11.21.
Variant type: single nucleotide variant.
Coding change: c.5447G>A on transcript NM_006904.7 (MANE Select); coding-DNA position 5447, G replaced by A.
Protein change: p.Arg1816His; replaces arginine 1816 with histidine.
Molecular consequence: missense variant.
Genome position (GRCh38, 1-based): chr8:47,864,680, C>T on the plus strand (G>A on the coding strand, the complement: PRKDC is on the minus strand). VCF-style: chr8-47864680-C-T. GRCh37 (hg19) VCF-style: chr8-48777241-C-T.
Other names: c.5447G>A, p.Arg1816His (NM_001081640.2); short protein forms R1816H.
Identifiers: ClinVar variation 3613776 (VCV003613776.2).
Genomic context (GRCh38, chr8:47,864,680, plus strand): 5'-AAAGCATCCAGGCTACAGTGCCACAGCAGAGTGAGGAGGGAGCGGTCCACAAAGGACTGG[C>T]GTGTGAAACTTAGGCGGGGGTCATCCTTCCTGAACATTTCATACACGCTTTCCAGAAGGC-3'
Protein context (NP_008835.5, residues 1806-1826): RKDDPRLSFT[Arg1816His]QSFVDRSLLT

ClinVar aggregate classification (germline): Uncertain significance (1 of 4 stars; one submission).

Conditions:
Severe combined immunodeficiency due to DNA-PKcs deficiency. Also called: IMMUNODEFICIENCY 26 WITH NEUROLOGIC ABNORMALITIES; Immunodeficiency 26 with or without neurologic abnormalities. Identifiers: Orphanet 317425, MedGen C4014833, MONDO:0014423, OMIM 615966.

gnomAD v4.1: 6 of 1,607,748 alleles (0.00037%); highest among the groups gnomAD compares: East Asian, 0.0045%; no homozygotes.

Submission:

Labcorp Genetics (formerly Invitae), Labcorp
Classification: Uncertain significance for Severe combined immunodeficiency due to DNA-PKcs deficiency. Last evaluated: 2025-01-12. Review status: criteria provided, single submitter. Criteria: Invitae Variant Classification Sherloc (09022015). Collection method: clinical testing. Allele origin: germline.
Comment: This sequence change replaces arginine, which is basic and polar, with histidine, which is basic and polar, at codon 1816 of the PRKDC protein (p.Arg1816His). The frequency data for this variant in the population databases is considered unreliable, as metrics indicate poor data quality at this position in the gnomAD database. This variant has not been reported in the literature in individuals affected with PRKDC-related conditions. Invitae Evidence Modeling of protein sequence and biophysical properties (such as structural, functional, and spatial information, amino acid conservation, physicochemical variation, residue mobility, and thermodynamic stability) indicates that this missense variant is expected to disrupt PRKDC protein function with a positive predictive value of 80%. In summary, the available evidence is currently insufficient to determine the role of this variant in disease. Therefore, it has been classified as a Variant of Uncertain Significance.